The following is an entry in ClinVar:

NM_006164.5(NFE2L2):c.1497G>A (p.Arg499=)

Gene: NFE2L2 (NFE2 like bZIP transcription factor 2; minus strand). Cytogenetic location: 2q31.2.
Variant type: single nucleotide variant.
Coding change: c.1497G>A on transcript NM_006164.5 (MANE Select); coding-DNA position 1497, G replaced by A.
Protein change: p.Arg499=; no amino-acid change (arginine 499 retained).
Molecular consequence: synonymous variant.
Genome position (GRCh38, 1-based): chr2:177,231,106, C>T on the plus strand (G>A on the coding strand, the complement: NFE2L2 is on the minus strand). VCF-style: chr2-177231106-C-T. GRCh37 (hg19) VCF-style: chr2-178095834-C-T.
Other names: c.1497G>A (NM_006164.4); c.1449G>A, p.Arg483= (NM_001145412.3, NM_001313900.1, NM_001313901.1); c.1428G>A, p.Arg476= (NM_001145413.3); c.1407G>A, p.Arg469= (NM_001313902.2); c.1278G>A, p.Arg426= (NM_001313903.2); c.1197G>A, p.Arg399= (NM_001313904.1).
Identifiers: ClinVar variation 1990127 (VCV001990127.7), dbSNP rs369998189, ClinGen allele CA1979682.

ClinVar aggregate classification (germline): Benign/Likely benign. Review status: criteria provided, multiple submitters, no conflicts (2 of 4 stars). 3 submissions from 3 submitters: Benign (1); Likely benign (1). 1 of the submissions does not count toward it. Last evaluated 2025-11-10.

Conditions:
NFE2L2-related disorder. Also called: NFE2L2-related condition.

Allele frequency attached by ClinVar (database versions not stated): TOPMed 0.00003; gnomAD 0.00005; ESP Exome Variant Server 0.00008; gnomAD exomes 0.00009; 1000 Genomes Project 30x 0.00031; 1000 Genomes Project 0.00040.
gnomAD v4.1: 141 of 1,614,052 alleles (0.0087%); highest among the groups gnomAD compares: South Asian, 0.086%; 1 homozygote.

Submissions (3):

Labcorp Genetics (formerly Invitae), Labcorp
Classification: Benign. Last evaluated: 2025-11-10. Review status: criteria provided, single submitter. Criteria: Invitae Variant Classification Sherloc (09022015). Collection method: clinical testing. Allele origin: germline.

Blueprint Genetics
Classification: Likely benign. Last evaluated: 2024-10-23. Review status: criteria provided, single submitter. Criteria: ACMG Guidelines, 2015. Collection method: clinical testing. Allele origin: germline.

PreventionGenetics, part of Exact Sciences
Classification: Likely benign for NFE2L2-related condition. Last evaluated: 2023-04-08. Review status: no assertion criteria provided. Collection method: clinical testing. Allele origin: germline. Not counted in ClinVar's aggregate classification.
Comment: This variant is classified as likely benign based on ACMG/AMP sequence variant interpretation guidelines (Richards et al. 2015 PMID: 25741868, with internal and published modifications).